The following is an entry in ClinVar:

ClinVar aggregate classification (germline): Conflicting classifications of pathogenicity. Review status: criteria provided, conflicting classifications (1 of 4 stars). 3 submissions from 3 submitters: Pathogenic (1); Likely pathogenic (1); Uncertain significance (1). Last evaluated 2024-05-02.

Conditions:
Trichohepatoenteric syndrome 1 (THES1). Also called: DIARRHEA, FATAL INFANTILE, WITH TRICHORRHEXIS NODOSA. Identifiers: Orphanet 84064, MedGen C4551982, MONDO:0024541, OMIM 222470.

Submissions (3):

Labcorp Genetics (formerly Invitae), Labcorp
Classification: Pathogenic. Last evaluated: 2024-05-02. Review status: criteria provided, single submitter. Criteria: Invitae Variant Classification Sherloc (09022015). Collection method: clinical testing. Allele origin: germline.
Comment: This sequence change creates a premature translational stop signal (p.Leu1091*) in the TTC37 gene. It is expected to result in an absent or disrupted protein product. Loss-of-function variants in TTC37 are known to be pathogenic (PMID: 20176027, 21120949). This variant is present in population databases (rs752052886, gnomAD 0.004%). This variant has not been reported in the literature in individuals affected with TTC37-related conditions. ClinVar contains an entry for this variant (Variation ID: 689648). Algorithms developed to predict the effect of sequence changes on RNA splicing suggest that this variant may disrupt the consensus splice site. For these reasons, this variant has been classified as Pathogenic.

GeneDx
Classification: Uncertain significance. Last evaluated: 2022-04-21. Review status: criteria provided, single submitter. Criteria: GeneDx Variant Classification Process June 2021. Collection method: clinical testing. Allele origin: germline. Affected: yes.
Comment: Nonsense variant predicted to result in protein truncation or nonsense mediated decay in a gene for which loss of function is a known mechanism of disease; Has not been previously published as pathogenic or benign to our knowledge

HudsonAlpha Institute for Biotechnology
Classification: Likely pathogenic for Trichohepatoenteric syndrome 1. Last evaluated: 2019-07-03. Review status: criteria provided, single submitter. Criteria: ACMG Guidelines, 2015. Collection method: research. Allele origin: unknown. Affected: yes. Observed: 1 variant allele. Study: HudsonAlpha-PGEN.

Literature cited by the submitters: PubMed 20176027 (cited by Labcorp Genetics (formerly Invitae), Labcorp); PubMed 21120949 (cited by Labcorp Genetics (formerly Invitae), Labcorp).

NM_014639.4(SKIC3):c.3272del (p.Ile1090_Leu1091insTer)

Gene: SKIC3 (SKI3 subunit of superkiller complex; minus strand). Cytogenetic location: 5q15.
Variant type: Deletion.
Coding change: c.3272del on transcript NM_014639.4 (MANE Select); coding-DNA position 3272, one base deleted (T; older notation c.3272delT).
Protein change: p.Ile1090_Leu1091insTer.
Molecular consequence: nonsense.
Genome position (GRCh38, 1-based): chr5:95,502,949, A deleted on the plus strand (T on the coding strand, the reverse complement: SKIC3 is on the minus strand); the first of 2 consecutive A bases (chr5:95,502,949-95,502,950); deleting either gives the same sequence. VCF-style (leftmost placement, unchanged base first): chr5-95502948-CA-C. GRCh37 (hg19) VCF-style: chr5-94838652-CA-C.
Other names: c.3272delT (NM_014639.3).
Identifiers: ClinVar variation 689648 (VCV000689648.6), dbSNP rs752052886, ClinGen allele CA3346785.
Genomic context (GRCh38, chr5:95,502,948, plus strand): 5'-TAGCAATGTCTTGGCTACATCCGTTTTTCCTTGTTTATATTCAGTTATTGCCAGAGCTGT[CA>C]AGATATGGGCTTTGTCTTGCTCCGATTCAACAATAGACAAGGCTCTCTCATAGGCTGTTA-3'